The following is an entry in ClinVar:

NM_001005361.3(DNM2):c.2458G>A (p.Ala820Thr)

Gene: DNM2 (dynamin 2; plus strand). Cytogenetic location: 19p13.2.
Variant type: single nucleotide variant.
Coding change: c.2458G>A on transcript NM_001005361.3 (MANE Select); coding-DNA position 2458, G replaced by A.
Protein change: p.Ala820Thr; replaces alanine 820 with threonine.
Molecular consequence: missense variant.
Genome position (GRCh38, 1-based): chr19:10,830,293, G>A. VCF-style: chr19-10830293-G-A. GRCh37 (hg19) VCF-style: chr19-10940969-G-A.
Other names: c.2458G>A, p.Ala820Thr (NM_001005360.3, NM_001190716.2); c.2446G>A, p.Ala816Thr (NM_001005362.3, NM_004945.4); short protein forms A816T, A820T.
Identifiers: ClinVar variation 3636815 (VCV003636815.2).
Genomic context (GRCh38, chr19:10,830,293, plus strand): 5'-GCAGCAGCCTCCTTCTCGGCGCCCCCAATCCCATCCCGGCCTGGACCCCAGAGCGTGTTT[G>A]CCAACAGTGACCTCTTCCCAGCCCCGCCTCAGATCCCATCTCGGCCAGTTCGGATCCCCC-3'
Protein context (NP_001005361.1, residues 810-830): PSRPGPQSVF[Ala820Thr]NSDLFPAPPQ

ClinVar aggregate classification (germline): Uncertain significance (1 of 4 stars; one submission).

Conditions:
Charcot-Marie-Tooth disease dominant intermediate B (CMTDIB). Also called: CHARCOT-MARIE-TOOTH NEUROPATHY, DOMINANT INTERMEDIATE B; Charcot-Marie-Tooth disease dominant intermediate 1; CMT DI1; Charcot-Marie-Tooth disease dominant intermediate I. Identifiers: Orphanet 100044, Orphanet 228179, MedGen C1847902, MONDO:0011674, OMIM 606482.

gnomAD v4.1: 3 of 1,613,784 alleles (0.00019%); highest among the groups gnomAD compares: Non-Finnish European, 0.00025%; no homozygotes.

Submission:

Labcorp Genetics (formerly Invitae), Labcorp
Classification: Uncertain significance for Charcot-Marie-Tooth disease dominant intermediate B. Last evaluated: 2024-09-25. Review status: criteria provided, single submitter. Criteria: Invitae Variant Classification Sherloc (09022015). Collection method: clinical testing. Allele origin: germline.
Comment: This sequence change replaces alanine, which is neutral and non-polar, with threonine, which is neutral and polar, at codon 820 of the DNM2 protein (p.Ala820Thr). This variant is not present in population databases (gnomAD no frequency). This variant has not been reported in the literature in individuals affected with DNM2-related conditions. An algorithm developed to predict the effect of missense changes on protein structure and function outputs the following: PolyPhen-2: "Benign". The threonine amino acid residue is found in multiple mammalian species, which suggests that this missense change does not adversely affect protein function. In summary, the available evidence is currently insufficient to determine the role of this variant in disease. Therefore, it has been classified as a Variant of Uncertain Significance.